The following is an entry in ClinVar:

NM_000199.5(SGSH):c.580T>C (p.Cys194Arg)

Gene: SGSH (N-sulfoglucosamine sulfohydrolase; minus strand). Cytogenetic location: 17q25.3.
Variant type: single nucleotide variant.
Coding change: c.580T>C on transcript NM_000199.5 (MANE Select); coding-DNA position 580, T replaced by C.
Protein change: p.Cys194Arg; replaces cysteine 194 with arginine.
Molecular consequence: missense variant. On other transcripts: non-coding transcript variant (1).
Genome position (GRCh38, 1-based): chr17:80,214,255, A>G on the plus strand (T>C on the coding strand, the complement: SGSH is on the minus strand). VCF-style: chr17-80214255-A-G. GRCh37 (hg19) VCF-style: chr17-78188054-A-G.
Other names: c.580T>C, p.Cys194Arg (NM_001352921.3, NM_001352922.2); short protein forms C194R.
Identifiers: ClinVar variation 2066350 (VCV002066350.4), dbSNP rs2041797658, ClinGen allele CA401362000.

ClinVar aggregate classification (germline): Uncertain significance (1 of 4 stars; one submission).

Conditions:
Mucopolysaccharidosis, MPS-III-A (MPS3A). Also called: HEPARAN SULFATE SULFATASE DEFICIENCY; SANFILIPPO SYNDROME A; SULFAMIDASE DEFICIENCY; MPS III A; Mucopolysaccharidosis, type IIIA; MUCOPOLYSACCHARIDOSIS, TYPE IIIA, ATTENUATED. Identifiers: Orphanet 581, Orphanet 79269, MedGen C0086647, MONDO:0009655, OMIM 252900.

Allele frequency attached by ClinVar (database versions not stated): TOPMed below 0.00001.

Submission:

Labcorp Genetics (formerly Invitae), Labcorp
Classification: Uncertain significance for Mucopolysaccharidosis, MPS-III-A. Last evaluated: 2022-02-01. Review status: criteria provided, single submitter. Criteria: Invitae Variant Classification Sherloc (09022015). Collection method: clinical testing. Allele origin: germline.
Comment: This variant has not been reported in the literature in individuals affected with SGSH-related conditions. This sequence change replaces cysteine, which is neutral and slightly polar, with arginine, which is basic and polar, at codon 194 of the SGSH protein (p.Cys194Arg). In summary, the available evidence is currently insufficient to determine the role of this variant in disease. Therefore, it has been classified as a Variant of Uncertain Significance. Advanced modeling of protein sequence and biophysical properties (such as structural, functional, and spatial information, amino acid conservation, physicochemical variation, residue mobility, and thermodynamic stability) performed at Invitae indicates that this missense variant is expected to disrupt SGSH protein function. This variant is not present in population databases (gnomAD no frequency).